The following is an entry in ClinVar:

ClinVar aggregate classification (germline): Uncertain significance. Review status: criteria provided, multiple submitters, no conflicts (2 of 4 stars). 3 submissions from 3 submitters: Uncertain significance (3). Last evaluated 2026-09-17.

Conditions:
Spinocerebellar ataxia 42, early-onset, severe, with neurodevelopmental deficits. Identifiers: MedGen C4748120, MONDO:0060758, OMIM 618087.

Allele frequency attached by ClinVar (database versions not stated): ExAC below 0.00001; TOPMed below 0.00001; gnomAD exomes 0.00002.
gnomAD v4.1: 19 of 1,593,002 alleles (0.0012%); highest among the groups gnomAD compares: Non-Finnish European, 0.0015%; no homozygotes.

Submissions (3):

GeneDx
Classification: Uncertain significance. Last evaluated: 2026-09-17. Review status: criteria provided, single submitter. Criteria: GeneDx Variant Classification Process June 2021. Collection method: clinical testing. Allele origin: germline.
Comment: Observed in large aggregate dataset examining de novo variants in patients with various developmental disorders; some patients were found to harbor de novo variants in multiple genes (PMID: 33057194, 35982159); In silico analysis suggests that this missense variant does not alter protein structure/function; This variant is associated with the following publications: (PMID: 31589614, 33057194, 35982159)

Blueprint Genetics
Classification: Uncertain significance. Last evaluated: 2024-10-02. Review status: criteria provided, single submitter. Criteria: ACMG Guidelines, 2015. Collection method: clinical testing. Allele origin: germline.

Centre for Mendelian Genomics, University Medical Centre Ljubljana
Classification: Uncertain significance for Spinocerebellar ataxia 42, early-onset, severe, with neurodevelopmental deficits. Last evaluated: 2018-10-10. Review status: criteria provided, single submitter. Criteria: ACMG Guidelines, 2015. Collection method: clinical testing. Allele origin: unknown. Affected: yes.
Comment: This variant was classified as: Uncertain significance. The available evidence on this variant's pathogenicity is insufficient or conflicting. The following ACMG criteria were applied in classifying this variant: PP2,PP5.

NM_018896.5(CACNA1G):c.6949G>A (p.Glu2317Lys)

Gene: CACNA1G (calcium voltage-gated channel subunit alpha1 G; plus strand). Cytogenetic location: 17q21.33.
Variant type: single nucleotide variant.
Coding change: c.6949G>A on transcript NM_018896.5 (MANE Select); coding-DNA position 6949, G replaced by A.
Protein change: p.Glu2317Lys; replaces glutamic acid 2317 with lysine.
Molecular consequence: missense variant. On other transcripts: non-coding transcript variant (5).
Genome position (GRCh38, 1-based): chr17:50,626,566, G>A. VCF-style: chr17-50626566-G-A. GRCh37 (hg19) VCF-style: chr17-48703927-G-A.
Other names: c.6760G>A, p.Glu2254Lys (NM_001256324.2); c.6691G>A, p.Glu2231Lys (NM_001256325.2); c.6679G>A, p.Glu2227Lys (NM_001256326.2); c.6649G>A, p.Glu2217Lys (NM_001256327.2); c.6595G>A, p.Glu2199Lys (NM_001256328.2); c.6568G>A, p.Glu2190Lys (NM_001256329.2, NM_198387.3); c.6535G>A, p.Glu2179Lys (NM_001256330.2); c.6514G>A, p.Glu2172Lys (NM_001256331.2); and 18 more; short protein forms E2317K, E2145K, E2213K, E2227K, E2238K, E2254K, E2111K, E2167K.
Identifiers: ClinVar variation 426883 (VCV000426883.9), dbSNP rs767121010, ClinGen allele CA8653767.